The following is an entry in ClinVar:

ClinVar aggregate classification (germline): Uncertain significance (1 of 4 stars; one submission).

Submission:

Dasa
Classification: Uncertain significance. Last evaluated: 2024-06-10. Review status: criteria provided, single submitter. Criteria: DASA Assertion Criteria. Collection method: clinical testing. Allele origin: germline.
Comment: NM_001105247.2(ARMC5):c.2135T>A (p.Val712Glu) is a missense variant that results in the substitution of valine with glutamic acid. This variant is rare in population databases. Computational prediction algorithms are consistent with a benign effect. The currently available literature and clinical evidence are not sufficient to establish a definitive association between this variant and the reported condition. Therefore, this variant is classified as a variant of uncertain significance.

NM_001105247.2(ARMC5):c.2135T>A (p.Val712Glu)

Gene: ARMC5 (armadillo repeat containing 5; plus strand). Cytogenetic location: 16p11.2.
Variant type: single nucleotide variant.
Coding change: c.2135T>A on transcript NM_001105247.2 (MANE Select); coding-DNA position 2135, T replaced by A.
Protein change: p.Val712Glu; replaces valine 712 with glutamic acid.
Molecular consequence: missense variant. On other transcripts: 3 prime UTR variant (1).
Genome position (GRCh38, 1-based): chr16:31,466,216, T>A. VCF-style: chr16-31466216-T-A. GRCh37 (hg19) VCF-style: chr16-31477537-T-A.
Other names: c.2420T>A, p.Val807Glu (NM_001288767.2); c.2231T>A, p.Val744Glu (NM_001301820.1); c.*1015T>A (NM_024742.2); short protein forms V712E, V744E, V807E.
Identifiers: ClinVar variation 4883290 (VCV004883290.2).
Genomic context (GRCh38, chr16:31,466,216, plus strand): 5'-CCCCACACCCGCTCTTCCTCTTCTTTGCCGCGGACTCCCTTTCCTGCCTCCAAGACCTGG[T>A]GTCTCCCACTGTGAGCCCAGCTGTCCCACAGGCAGTCCCCATGGACCTAGACTCACCTTC-3'
Protein context (NP_001098717.1, residues 702-722): ADSLSCLQDL[Val712Glu]SPTVSPAVPQ